The following is an entry in ClinVar:

ClinVar aggregate classification (germline): Benign (1 of 4 stars; one submission).

Allele frequency attached by ClinVar (database versions not stated): gnomAD exomes 0.25220; gnomAD 0.35758; 1000 Genomes Project 0.37315; TOPMed 0.37337; 1000 Genomes Project 30x 0.38054.
gnomAD v4.1: 407,839 of 1,549,648 alleles (26%); highest among the groups gnomAD compares: African/African-American, 62%; 60,023 homozygotes.

Submission:

Unidad de Genómica Garrahan, Hospital de Pediatría Garrahan
Classification: Benign. Last evaluated: 2024-01-24. Review status: criteria provided, single submitter. Criteria: ACMG Guidelines, 2015. Collection method: clinical testing. Allele origin: germline. Affected: no. Observed: 52 variant alleles.
Comment: This variant is classified as Benign based on local population frequency. This variant was detected in 59% of patients studied by a panel of primary immunodeficiencies. Number of patients: 52. Only high quality variants are reported.

NM_002227.4(JAK1):c.2115+79G>A

Gene: JAK1 (Janus kinase 1; minus strand). Cytogenetic location: 1p31.3.
Variant type: single nucleotide variant.
Coding change: c.2115+79G>A on transcript NM_002227.4 (MANE Select); 79 bases into the intron after coding-DNA position 2115, G replaced by A.
Molecular consequence: intron variant.
Genome position (GRCh38, 1-based): chr1:64,845,434, C>T on the plus strand (G>A on the coding strand, the complement: JAK1 is on the minus strand). VCF-style: chr1-64845434-C-T. GRCh37 (hg19) VCF-style: chr1-65311117-C-T.
Other names: c.2115+79G>A (NM_001321852.2, NM_001321854.2, NM_001321853.2 and 3 more transcripts); c.2112+79G>A (NM_001321857.2).
Identifiers: ClinVar variation 2688396 (VCV002688396.2), dbSNP rs2780896, ClinGen allele CA15122448.